The following is an entry in ClinVar:

NM_001267550.2(TTN):c.42822del (p.Lys14274fs)

Gene: TTN (titin; minus strand). Cytogenetic location: 2q31.2.
Variant type: Deletion.
Coding change: c.42822del on transcript NM_001267550.2 (MANE Select); coding-DNA position 42822, one base deleted (A; older notation c.42822delA).
Protein change: p.Lys14274fs; shifts the reading frame from lysine 14274.
Molecular consequence: frameshift variant.
Genome position (GRCh38, 1-based): chr2:178,633,537, T deleted on the plus strand (A on the coding strand, the reverse complement: TTN is on the minus strand); the first of 3 consecutive T bases (chr2:178,633,537-178,633,539); deleting any one gives the same sequence. VCF-style (leftmost placement, unchanged base first): chr2-178633536-AT-A. GRCh37 (hg19) VCF-style: chr2-179498263-AT-A.
Other names: c.15627delA (NM_003319.4); c.15627del, p.Lys5209fs (NM_003319.4); c.35118del, p.Lys11706fs (NM_133378.4); c.16002del, p.Lys5334fs (NM_133432.3); c.16203del, p.Lys5401fs (NM_133437.4); c.37899del, p.Lys12633fs (NM_001256850.1); short protein forms K11706fs, K12633fs, K14274fs, K5209fs, K5334fs, K5401fs.
Identifiers: ClinVar variation 999437 (VCV000999437.13), dbSNP rs2060064534, ClinGen allele CA1310557192.

ClinVar aggregate classification (germline): Likely pathogenic. Review status: criteria provided, multiple submitters, no conflicts (2 of 4 stars). 2 submissions from 2 submitters: Likely pathogenic (2). Last evaluated 2026-08-14.

Conditions:
Cardiovascular phenotype. Identifiers: MedGen CN230736.
Dilated cardiomyopathy 1G (CMD1G). Identifiers: Orphanet 154, MedGen C1858763, MONDO:0011400, OMIM 604145.
Autosomal recessive limb-girdle muscular dystrophy type 2J (LGMDR10). Also called: MUSCULAR DYSTROPHY, LIMB-GIRDLE, AUTOSOMAL RECESSIVE 10; Limb-girdle muscular dystrophy, type 2J. Identifiers: Orphanet 140922, MedGen C1837342, MONDO:0012127, OMIM 608807.

Submissions (2):

Ambry Genetics
Classification: Likely pathogenic for Cardiovascular phenotype. Last evaluated: 2026-08-14. Review status: criteria provided, single submitter. Criteria: Ambry Variant Classification Scheme 2023. Collection method: clinical testing. Allele origin: germline.
Comment: The c.15627delA variant, located in coding exon 59 of the TTN gene, results from a deletion of one nucleotide at nucleotide position 15627, causing a translational frameshift with a predicted alternate stop codon (p.K5209Nfs*13). This exon is located in the I-band region of the N2-B isoform of the titin protein and is constitutively expressed in TTN transcripts (percent spliced in or PSI 100%). This variant is considered to be rare based on population cohorts in the Genome Aggregation Database (gnomAD). This alteration is expected to result in loss of function by premature protein truncation or nonsense-mediated mRNA decay. While truncating variants in TTN are present in 1-3% of the general population, truncating variants in the A-band are the most common cause of dilated cardiomyopathy (DCM) (Herman DS et al. N. Engl. J. Med., 2012 Feb;366:619-28; Roberts AM et al. Sci Transl Med, 2015 Jan;7:270ra6). TTN truncating variants encoded in constitutive exons (PSI >90%) have been found to be significantly associated with DCM regardless of their position in titin (Schafer S et al. Nat. Genet., 2017 01;49:46-53). As such, this alteration is classified as likely pathogenic.

Labcorp Genetics (formerly Invitae), Labcorp
Classification: Likely pathogenic for Dilated cardiomyopathy 1G; Autosomal recessive limb-girdle muscular dystrophy type 2J. Last evaluated: 2025-02-17. Review status: criteria provided, single submitter. Criteria: Invitae Variant Classification Sherloc (09022015). Collection method: clinical testing. Allele origin: germline.
Comment: This sequence change creates a premature translational stop signal (p.Lys14274Asnfs*13) in the TTN gene. While this is not anticipated to result in nonsense mediated decay, it is expected to create a truncated TTN protein. This variant is not present in population databases (gnomAD no frequency). This variant has not been reported in the literature in individuals affected with TTN-related conditions. ClinVar contains an entry for this variant (Variation ID: 999437). This variant is located in the I band of TTN (PMID: 25589632). Truncating variants in this region have been reported in individuals affected with autosomal recessive centronuclear myopathy (PMID: 23975875, internal data). Truncating variants in this region have also been identified in individuals affected with autosomal dominant dilated cardiomyopathy and/or cardio-related conditions (PMID: 27869827, 32964742, internal data). In summary, the currently available evidence indicates that the variant is pathogenic, but additional data are needed to prove that conclusively. Therefore, this variant has been classified as Likely Pathogenic.

Literature cited by the submitters: PubMed 25589632 (cited by Labcorp Genetics (formerly Invitae), Labcorp); PubMed 23975875 (cited by Labcorp Genetics (formerly Invitae), Labcorp); PubMed 27869827 (cited by Labcorp Genetics (formerly Invitae), Labcorp); PubMed 32964742 (cited by Labcorp Genetics (formerly Invitae), Labcorp).